The following is an entry in ClinVar:

NM_002700.3(POU4F3):c.642T>G (p.Asn214Lys)

Genes: POU4F3 (POU class 4 homeobox 3; plus strand), RBM27-POU4F3 (RBM27-POU4F3 readthrough; plus strand). Cytogenetic location: 5q32.
Variant type: single nucleotide variant.
Coding change: c.642T>G on transcript NM_002700.3 (MANE Select); coding-DNA position 642, T replaced by G.
Protein change: p.Asn214Lys; replaces asparagine 214 with lysine.
Molecular consequence: missense variant. On other transcripts: 3 prime UTR variant (1).
Genome position (GRCh38, 1-based): chr5:146,340,069, T>G. VCF-style: chr5-146340069-T-G. GRCh37 (hg19) VCF-style: chr5-145719632-T-G.
Other names: c.*511T>G (NM_001414499.1); short protein forms N214K.
Identifiers: ClinVar variation 3361136 (VCV003361136.2).

ClinVar aggregate classification (germline): Uncertain significance (1 of 4 stars; one submission).

Submission:

GeneDx
Classification: Uncertain significance. Last evaluated: 2026-03-06. Review status: criteria provided, single submitter. Criteria: GeneDx Variant Classification Process June 2021. Collection method: clinical testing. Allele origin: germline.
Comment: Not observed at significant frequency in large population cohorts (gnomAD); In silico analysis supports that this missense variant has a deleterious effect on protein structure/function; Has not been previously published as pathogenic or benign to our knowledge